The following is an entry in ClinVar:

ClinVar aggregate classification (germline): Likely benign. Review status: criteria provided, multiple submitters, no conflicts (2 of 4 stars). 3 submissions from 3 submitters: Likely benign (2). 1 of the submissions does not count toward it. Last evaluated 2025-10-21.

Conditions:
TTLL5-related disorder. Also called: TTLL5-related condition.

Allele frequency attached by ClinVar (database versions not stated): ExAC 0.00002; gnomAD exomes 0.00004 and 0.00005; gnomAD 0.00005 and 0.00006; TOPMed 0.00008.
gnomAD v4.1: 85 of 1,613,162 alleles (0.0053%); highest among the groups gnomAD compares: East Asian, 0.08%; no homozygotes.

Submissions (3):

Labcorp Genetics (formerly Invitae), Labcorp
Classification: Likely benign. Last evaluated: 2025-10-21. Review status: criteria provided, single submitter. Criteria: Invitae Variant Classification Sherloc (09022015). Collection method: clinical testing. Allele origin: germline.

Blueprint Genetics
Classification: Likely benign. Last evaluated: 2024-11-07. Review status: criteria provided, single submitter. Criteria: ACMG Guidelines, 2015. Collection method: clinical testing. Allele origin: germline.

PreventionGenetics, part of Exact Sciences
Classification: Likely benign for TTLL5-related condition. Last evaluated: 2020-01-20. Review status: no assertion criteria provided. Collection method: clinical testing. Allele origin: germline. Not counted in ClinVar's aggregate classification.
Comment: This variant is classified as likely benign based on ACMG/AMP sequence variant interpretation guidelines (Richards et al. 2015 PMID: 25741868, with internal and published modifications).

NM_015072.5(TTLL5):c.2016-4A>G

Gene: TTLL5 (tubulin tyrosine ligase like 5; plus strand). Cytogenetic location: 14q24.3.
Variant type: single nucleotide variant.
Coding change: c.2016-4A>G on transcript NM_015072.5 (MANE Select); 4 bases into the intron before coding-DNA position 2016, A replaced by G.
Molecular consequence: intron variant.
Genome position (GRCh38, 1-based): chr14:75,771,730, A>G. VCF-style: chr14-75771730-A-G. GRCh37 (hg19) VCF-style: chr14-76238073-A-G.
Identifiers: ClinVar variation 752664 (VCV000752664.13), dbSNP rs760629839, ClinGen allele CA7279578.